The following is an entry in ClinVar:

ClinVar aggregate classification (germline): Uncertain significance (1 of 4 stars; one submission).

Conditions:
Mucopolysaccharidosis type 1. Also called: IDUA deficiency; MPS I; Mucopolysaccharidosis Type I. Identifiers: Orphanet 579, MedGen C0023786, MONDO:0001586.

Allele frequency attached by ClinVar (database versions not stated): ExAC 0.00002; gnomAD exomes 0.00002.
gnomAD v4.1: 13 of 1,611,818 alleles (0.00081%); highest among the groups gnomAD compares: East Asian, 0.027%; no homozygotes.

Submission:

Labcorp Genetics (formerly Invitae), Labcorp
Classification: Uncertain significance for Mucopolysaccharidosis type 1. Last evaluated: 2023-08-24. Review status: criteria provided, single submitter. Criteria: Invitae Variant Classification Sherloc (09022015). Collection method: clinical testing. Allele origin: germline.
Comment: In summary, the available evidence is currently insufficient to determine the role of this variant in disease. Therefore, it has been classified as a Variant of Uncertain Significance. Advanced modeling of protein sequence and biophysical properties (such as structural, functional, and spatial information, amino acid conservation, physicochemical variation, residue mobility, and thermodynamic stability) performed at Invitae indicates that this missense variant is expected to disrupt IDUA protein function. This variant has not been reported in the literature in individuals affected with IDUA-related conditions. This variant is present in population databases (rs746606129, gnomAD 0.01%). This sequence change replaces glutamine, which is neutral and polar, with histidine, which is basic and polar, at codon 328 of the IDUA protein (p.Gln328His).

NM_000203.5(IDUA):c.984G>C (p.Gln328His)

Gene: IDUA (alpha-L-iduronidase; plus strand). Cytogenetic location: 4p16.3.
Variant type: single nucleotide variant.
Coding change: c.984G>C on transcript NM_000203.5 (MANE Select); coding-DNA position 984, G replaced by C.
Protein change: p.Gln328His; replaces glutamine 328 with histidine.
Molecular consequence: missense variant. On other transcripts: non-coding transcript variant (1).
Genome position (GRCh38, 1-based): chr4:1,002,280, G>C. VCF-style: chr4-1002280-G-C. GRCh37 (hg19) VCF-style: chr4-996068-G-C.
Other names: c.588G>C, p.Gln196His (NM_001363576.1); short protein forms Q328H, Q196H.
Identifiers: ClinVar variation 2914410 (VCV002914410.3), dbSNP rs746606129, ClinGen allele CA2802156.
Genomic context (GRCh38, chr4:1,002,280, plus strand): 5'-GCGAGCGGTGGCCGCGCCACCCGGTCCCAGCTGCCCTGGACACCCGCAGGTCATCGCGCA[G>C]CATCAGAACCTGCTACTGGCCAACACCACCTCCGCCTTCCCCTACGCGCTCCTGAGCAAC-3'
Protein context (NP_000194.2, residues 318-338): YAAMVVKVIA[Gln328His]HQNLLLANTT